The following is an entry in ClinVar:

ClinVar aggregate classification (germline): Uncertain significance (1 of 4 stars; one submission).

Allele frequency attached by ClinVar (database versions not stated): TOPMed below 0.00001; gnomAD 0.00001; gnomAD exomes 0.00001.
gnomAD v4.1: 8 of 1,610,678 alleles (0.0005%); highest among the groups gnomAD compares: East Asian, 0.0022%; no homozygotes.

Submission:

Ambry Genetics
Classification: Uncertain significance. Last evaluated: 2022-05-09. Review status: criteria provided, single submitter. Criteria: Ambry Variant Classification Scheme 2023. Collection method: clinical testing. Allele origin: germline.
Comment: The p.R962H variant (also known as c.2885G>A), located in coding exon 16 of the PALLD gene, results from a G to A substitution at nucleotide position 2885. The arginine at codon 962 is replaced by histidine, an amino acid with highly similar properties. This amino acid position is conserved. In addition, the in silico prediction for this alteration is inconclusive. Since supporting evidence is limited at this time, the clinical significance of this alteration remains unclear.

NM_001166108.2(PALLD):c.2936G>A (p.Arg979His)

Genes: CBR4 (carbonyl reductase 4; minus strand), PALLD (palladin, cytoskeletal associated protein; plus strand). Cytogenetic location: 4q32.3.
Variant type: single nucleotide variant.
Coding change: c.2936G>A on transcript NM_001166108.2 (MANE Select); coding-DNA position 2936, G replaced by A.
Protein change: p.Arg979His; replaces arginine 979 with histidine.
Molecular consequence: missense variant.
Genome position (GRCh38, 1-based): chr4:168,921,619, G>A. VCF-style: chr4-168921619-G-A. GRCh37 (hg19) VCF-style: chr4-169842770-G-A.
Other names: c.1739G>A, p.Arg580His (NM_001166109.2); c.1424G>A, p.Arg475His (NM_001166110.2); c.764G>A, p.Arg255His (NM_001367567.1, NM_001367569.1); c.815G>A, p.Arg272His (NM_001367568.1, NM_001367570.1); c.2885G>A, p.Arg962His (NM_016081.4); short protein forms R255H, R475H, R272H, R580H, R962H, R979H.
Identifiers: ClinVar variation 1797215 (VCV001797215.2), dbSNP rs1296530962, ClinGen allele CA358708879.